The following is an entry in ClinVar:

ClinVar aggregate classification (germline): Uncertain significance (0 of 4 stars; one submission).

Conditions:
CACNA1A-related disorder. Also called: CACNA1A-related condition.

Submission:

PreventionGenetics, part of Exact Sciences
Classification: Uncertain significance for CACNA1A-related condition. Last evaluated: 2024-03-01. Review status: no assertion criteria provided. Collection method: clinical testing. Allele origin: germline.
Comment: The CACNA1A c.6962A>G variant is predicted to result in the amino acid substitution p.Gln2321Arg. To our knowledge, this variant has not been reported in the literature or in a large population database, indicating this variant is rare. At this time, the clinical significance of this variant is uncertain due to the absence of conclusive functional and genetic evidence.

NM_001127222.2(CACNA1A):c.6962A>G (p.Gln2321Arg)

Genes: CACNA1A (calcium voltage-gated channel subunit alpha1 A; minus strand), LOC108663985 (calcium voltage-gated channel subunit alpha1 A repeat instability region; plus strand). Cytogenetic location: 19p13.13.
Variant type: single nucleotide variant.
Coding change: c.6962A>G on transcript NM_001127222.2 (MANE Select); coding-DNA position 6962, A replaced by G.
Protein change: p.Gln2321Arg; replaces glutamine 2321 with arginine.
Molecular consequence: missense variant. On other transcripts: 3 prime UTR variant (3).
Genome position (GRCh38, 1-based): chr19:13,207,872, T>C on the plus strand (A>G on the coding strand, the complement: CACNA1A is on the minus strand). VCF-style: chr19-13207872-T-C. GRCh37 (hg19) VCF-style: chr19-13318686-T-C.
Other names: c.*174A>G (NM_000068.4, NM_001127221.2, NM_001174080.2); c.6980A>G, p.Gln2327Arg (NM_023035.3); short protein forms Q2321R, Q2327R.
Identifiers: ClinVar variation 3061076 (VCV003061076.2), dbSNP rs1336072997, ClinGen allele CA404328720.
Genomic context (GRCh38, chr19:13,207,872, plus strand): 5'-TACCTCCGAGGGCCGCTGGTGGCCGCCCGGCCCGGCCTGGCCACCGCCTGCTGCTGCTGC[T>C]GCTGCTGCTGCTGCTGCTGCTGCTGCGGGGGCCCCGAGCCGCCGGCCTTACGGATCACAG-3'
Protein context (NP_001120694.1, residues 2311-2331): PPQQQQQQQQ[Gln2321Arg]QQQQAVARPG